The following is an entry in ClinVar:

NM_004360.5(CDH1):c.772A>G (p.Asn258Asp)

Gene: CDH1 (cadherin 1; plus strand). Cytogenetic location: 16q22.1.
Variant type: single nucleotide variant.
Coding change: c.772A>G on transcript NM_004360.5 (MANE Select); coding-DNA position 772, A replaced by G.
Protein change: p.Asn258Asp; replaces asparagine 258 with aspartic acid.
Molecular consequence: missense variant. On other transcripts: 5 prime UTR variant (2).
Genome position (GRCh38, 1-based): chr16:68,810,281, A>G. VCF-style: chr16-68810281-A-G. GRCh37 (hg19) VCF-style: chr16-68844184-A-G.
Other names: c.772A>G, p.Asn258Asp (NM_001317184.2); c.-844A>G (NM_001317185.2); c.-1048A>G (NM_001317186.2); short protein forms N258D.
Identifiers: ClinVar variation 2446331 (VCV002446331.2), dbSNP rs1555515449, ClinGen allele CA396458665.
Genomic context (GRCh38, chr16:68,810,281, plus strand): 5'-AACGGGAATGCAGTTGAGGATCCAATGGAGATTTTGATCACGGTAACCGATCAGAATGAC[A>G]ACAAGCCCGAATTCACCCAGGAGGTCTTTAAGGGGTCTGTCATGGAAGGTGCTCTTCCAG-3'
Protein context (NP_004351.1, residues 248-268): ILITVTDQND[Asn258Asp]KPEFTQEVFK

ClinVar aggregate classification (germline): Uncertain significance (1 of 4 stars; one submission).

Submission:

GeneDx
Classification: Uncertain significance. Last evaluated: 2025-03-07. Review status: criteria provided, single submitter. Criteria: GeneDx Variant Classification Process June 2021. Collection method: clinical testing. Allele origin: germline.
Comment: Not observed at significant frequency in large population cohorts (gnomAD); In silico analysis supports that this missense variant has a deleterious effect on protein structure/function; Has not been previously published as pathogenic or benign to our knowledge; This variant is associated with the following publications: (PMID: 15235021, 22850631)